The following is an entry in ClinVar:

ClinVar aggregate classification (germline): Uncertain significance (1 of 4 stars; one submission).

Conditions:
Autosomal dominant familial hematuria-retinal arteriolar tortuosity-contractures syndrome. Also called: Angiopathy, hereditary, with nephropathy, aneurysms, and muscle cramps; Hereditary Angiopathy with Nephropathy, Aneurysms, and Muscle Cramps (HANAC) Syndrome. Identifiers: Orphanet 73229, MedGen C2673195, MONDO:0012726, OMIM 611773.

Submission:

MVZ Medizinische Genetik Mainz
Classification: Uncertain significance for Autosomal dominant familial hematuria-retinal arteriolar tortuosity-contractures syndrome. Last evaluated: 2026-04-13. Review status: criteria provided, single submitter. Criteria: UK Practice Guidelines For Variant Classification V4 01 2020. Collection method: clinical testing. Allele origin: germline. Inheritance: Autosomal dominant inheritance. Affected: yes. Observed: 1 variant allele.
Comment: ACMG Criteria: PM2_SUP,PP3

NM_001845.6(COL4A1):c.2552C>T (p.Pro851Leu)

Gene: COL4A1 (collagen type IV alpha 1 chain; minus strand). Cytogenetic location: 13q34.
Variant type: single nucleotide variant.
Coding change: c.2552C>T on transcript NM_001845.6 (MANE Select); coding-DNA position 2552, C replaced by T.
Protein change: p.Pro851Leu; replaces proline 851 with leucine.
Molecular consequence: missense variant.
Genome position (GRCh38, 1-based): chr13:110,178,138, G>A on the plus strand (C>T on the coding strand, the complement: COL4A1 is on the minus strand). VCF-style: chr13-110178138-G-A. GRCh37 (hg19) VCF-style: chr13-110830485-G-A.
Other names: short protein forms P851L.
Identifiers: ClinVar variation 4852350 (VCV004852350.1).